The following is an entry in ClinVar:

ClinVar aggregate classification (germline): Uncertain significance (1 of 4 stars; one submission).

gnomAD v4.1: 1 of 1,523,846 alleles (0.000066%); highest among the groups gnomAD compares: Non-Finnish European, 0.000088%; no homozygotes.

Submission:

Labcorp Genetics (formerly Invitae), Labcorp
Classification: Uncertain significance. Last evaluated: 2021-06-29. Review status: criteria provided, single submitter. Criteria: Invitae Variant Classification Sherloc (09022015). Collection method: clinical testing. Allele origin: germline.
Comment: In summary, the available evidence is currently insufficient to determine the role of this variant in disease. Therefore, it has been classified as a Variant of Uncertain Significance. Algorithms developed to predict the effect of missense changes on protein structure and function are either unavailable or do not agree on the potential impact of this missense change (SIFT: "Deleterious"; PolyPhen-2: "Benign"; Align-GVGD: "Class C0"). This variant has not been reported in the literature in individuals affected with RELB-related conditions. The frequency data for this variant in the population databases is considered unreliable, as metrics indicate insufficient coverage at this position in the ExAC database. This sequence change replaces proline with alanine at codon 19 of the RELB protein (p.Pro19Ala). The proline residue is weakly conserved and there is a small physicochemical difference between proline and alanine.

NM_006509.4(RELB):c.55C>G (p.Pro19Ala)

Genes: RELB (RELB proto-oncogene, NF-kB subunit; plus strand), LOC130064661 (ATAC-STARR-seq lymphoblastoid silent region 10746; plus strand). Cytogenetic location: 19q13.32.
Variant type: single nucleotide variant.
Coding change: c.55C>G on transcript NM_006509.4 (MANE Select); coding-DNA position 55, C replaced by G.
Protein change: p.Pro19Ala; replaces proline 19 with alanine.
Molecular consequence: missense variant.
Genome position (GRCh38, 1-based): chr19:45,001,634, C>G. VCF-style: chr19-45001634-C-G. GRCh37 (hg19) VCF-style: chr19-45504892-C-G.
Other names: short protein forms P19A.
Identifiers: ClinVar variation 1435965 (VCV001435965.8), dbSNP rs1217795221, ClinGen allele CA406319556.